The following is an entry in ClinVar:

ClinVar aggregate classification (germline): Uncertain significance (1 of 4 stars; one submission).

Submission:

Labcorp Genetics (formerly Invitae), Labcorp
Classification: Uncertain significance. Last evaluated: 2022-06-14. Review status: criteria provided, single submitter. Criteria: Invitae Variant Classification Sherloc (09022015). Collection method: clinical testing. Allele origin: germline.
Comment: In summary, the available evidence is currently insufficient to determine the role of this variant in disease. Therefore, it has been classified as a Variant of Uncertain Significance. Algorithms developed to predict the effect of sequence changes on RNA splicing suggest that this variant may create or strengthen a splice site. Experimental studies have shown that this missense change affects EPAS1 function (PMID: 30135421). Algorithms developed to predict the effect of missense changes on protein structure and function (SIFT, PolyPhen-2, Align-GVGD) all suggest that this variant is likely to be disruptive. This missense change has been observed in individual(s) with germline and somatic EPAS1-related conditions (PMID: 31876943). This variant is not present in population databases (gnomAD no frequency). This sequence change replaces alanine, which is neutral and non-polar, with valine, which is neutral and non-polar, at codon 530 of the EPAS1 protein (p.Ala530Val).

Literature cited by the submitters: PubMed 30135421; PubMed 31876943.

NM_001430.5(EPAS1):c.1589C>T (p.Ala530Val)

Gene: EPAS1 (endothelial PAS domain protein 1; plus strand). Cytogenetic location: 2p21.
Variant type: single nucleotide variant.
Coding change: c.1589C>T on transcript NM_001430.5 (MANE Select); coding-DNA position 1589, C replaced by T.
Protein change: p.Ala530Val; replaces alanine 530 with valine.
Molecular consequence: missense variant.
Genome position (GRCh38, 1-based): chr2:46,380,261, C>T. VCF-style: chr2-46380261-C-T. GRCh37 (hg19) VCF-style: chr2-46607400-C-T.
Other names: short protein forms A530V.
Identifiers: ClinVar variation 2203062 (VCV002203062.4), dbSNP rs2546476663, ClinGen allele CA346704452.